The following is an entry in ClinVar:

ClinVar aggregate classification (germline): Pathogenic (1 of 4 stars; one submission).

Conditions:
Mucopolysaccharidosis type 7 (MPS7). Also called: BETA-GLUCURONIDASE DEFICIENCY; GUSB DEFICIENCY; SLY SYNDROME; MPS VII. Identifiers: Orphanet 584, MedGen C0085132, MONDO:0009662, OMIM 253220.

Allele frequency attached by ClinVar (database versions not stated): gnomAD exomes below 0.00001.

Submission:

Labcorp Genetics (formerly Invitae), Labcorp
Classification: Pathogenic for Mucopolysaccharidosis type 7. Last evaluated: 2023-11-24. Review status: criteria provided, single submitter. Criteria: Invitae Variant Classification Sherloc (09022015). Collection method: clinical testing. Allele origin: germline.
Comment: This sequence change creates a premature translational stop signal (p.Trp289*) in the GUSB gene. It is expected to result in an absent or disrupted protein product. Loss-of-function variants in GUSB are known to be pathogenic (PMID: 19224584). This variant is not present in population databases (gnomAD no frequency). This variant has not been reported in the literature in individuals affected with GUSB-related conditions. For these reasons, this variant has been classified as Pathogenic.

Literature cited by the submitters: PubMed 19224584.

NM_000181.4(GUSB):c.867_871del (p.Trp289_Tyr291delinsTer)

Gene: GUSB (glucuronidase beta; minus strand). Cytogenetic location: 7q11.21.
Variant type: Deletion.
Coding change: c.867_871del on transcript NM_000181.4 (MANE Select); coding-DNA positions 867 to 871, 5 bases deleted (GCCGT; older notation c.867_871delGCCGT).
Protein change: p.Trp289_Tyr291delinsTer.
Molecular consequence: nonsense. On other transcripts: non-coding transcript variant (1), intron variant (1).
Genome position (GRCh38, 1-based): chr7:65,976,056-65,976,060, ACGGC deleted on the plus strand (GCCGT on the coding strand, the reverse complement: GUSB is on the minus strand). VCF-style (leftmost placement, unchanged base first): chr7-65976055-TACGGC-T. GRCh37 (hg19) VCF-style: chr7-65441042-TACGGC-T.
Other names: c.297_301del, p.Trp99_Tyr101delinsTer (NM_001293104.2); c.210_214del, p.Trp70_Tyr72delinsTer (NM_001293105.2); c.475-989_475-985del (NM_001284290.2).
Identifiers: ClinVar variation 2698405 (VCV002698405.3), dbSNP rs2484813628, ClinGen allele CA2683080382.